The following is an entry in ClinVar:

ClinVar aggregate classification (germline): Uncertain significance (1 of 4 stars; one submission).

Submission:

Labcorp Genetics (formerly Invitae), Labcorp
Classification: Uncertain significance. Last evaluated: 2023-11-20. Review status: criteria provided, single submitter. Criteria: Invitae Variant Classification Sherloc (09022015). Collection method: clinical testing. Allele origin: germline.
Comment: This variant results in a copy number gain of the genomic region encompassing exon(s) 2-9 of the LYN gene. This region includes the initiator codon of the gene. This copy number gain extends beyond the assayed region for this gene and therefore may encompass additional genes. As the precise location of this event is unknown, it may be in tandem or it may be located elsewhere in the genome. This variant has not been reported in the literature in individuals affected with LYN-related conditions. Experimental studies and prediction algorithms are not available or were not evaluated, and the functional significance of this variant is currently unknown. In summary, the available evidence is currently insufficient to determine the role of this variant in disease. Therefore, it has been classified as a Variant of Uncertain Significance.

NC_000008.10:g.(?_56854419)_(56879476_?)dup

Gene: LYN (LYN proto-oncogene, Src family tyrosine kinase; plus strand). Cytogenetic location: 8q12.1.
Variant type: Duplication.
Identifiers: ClinVar variation 1024276 (VCV001024276.6).